The following is an entry in ClinVar:

ClinVar aggregate classification (germline): Likely benign (1 of 4 stars; one submission).

Conditions:
KBG syndrome (KBGS). Also called: ANKRD11-Related KBG Syndrome. Identifiers: Orphanet 2332, MedGen C0220687, MONDO:0007846, OMIM 148050.

Allele frequency attached by ClinVar (database versions not stated): TOPMed below 0.00001.
gnomAD v4.1: 8 of 1,608,784 alleles (0.0005%); highest among the groups gnomAD compares: Non-Finnish European, 0.00059%; no homozygotes.

Submission:

Victorian Clinical Genetics Services, Murdoch Childrens Research Institute
Classification: Likely benign for KBG syndrome. Last evaluated: 2025-04-09. Review status: criteria provided, single submitter. Criteria: ACMG Guidelines, 2015. Collection method: clinical testing. Allele origin: germline. Affected: yes.
Comment: This variant is classified as Likely benign. Evidence in support of pathogenic classification: Variant is present in gnomAD <0.001 for a dominant condition (v4: 8 heterozygote(s), 0 homozygote(s)). Evidence in support of benign classification: Missense variant predicted to be tolerated by in silico tool(s) or not conserved in placental mammals with a minor amino acid change. Additional information: Variant is predicted to result in a missense amino acid change from valine to alanine; This variant is heterozygous; This gene is associated with autosomal dominant disease; Alternative amino acid change(s) at the same position are present in gnomAD (Highest allele count: v4: 3 heterozygote(s), 0 homozygote(s)); This variant has no previous evidence of pathogenicity; No segregation evidence has been identified for this variant; No published functional evidence has been identified for this variant; No comparable missense variants have previous evidence for pathogenicity; Variant is not located in an established domain, motif, hotspot or informative constraint region; Loss of function is a known mechanism of disease in this gene and is associated with KBG syndrome (MIM#148050); Variants in this gene are known to have variable expressivity. Intrafamilial variability is commonly reported (PMID: 29258554); Inheritance information for this variant is not currently available in this individual.

Literature cited by the submitters: PubMed 29258554.

NM_013275.6(ANKRD11):c.2420T>C (p.Val807Ala)

Gene: ANKRD11 (ankyrin repeat domain 11; minus strand). Cytogenetic location: 16q24.3.
Variant type: single nucleotide variant.
Coding change: c.2420T>C on transcript NM_013275.6 (MANE Select); coding-DNA position 2420, T replaced by C.
Protein change: p.Val807Ala; replaces valine 807 with alanine.
Molecular consequence: missense variant.
Genome position (GRCh38, 1-based): chr16:89,284,122, A>G on the plus strand (T>C on the coding strand, the complement: ANKRD11 is on the minus strand). VCF-style: chr16-89284122-A-G. GRCh37 (hg19) VCF-style: chr16-89350530-A-G.
Other names: c.2420T>C, p.Val807Ala (NM_001256182.2, NM_001256183.2); short protein forms V807A.
Identifiers: ClinVar variation 1805306 (VCV001805306.3), dbSNP rs1340833720, ClinGen allele CA397162450.